The following is an entry in ClinVar:

ClinVar aggregate classification (germline): Uncertain significance. Review status: criteria provided, multiple submitters, no conflicts (2 of 4 stars). 3 submissions from 3 submitters: Uncertain significance (3). Last evaluated 2023-05-24.

Conditions:
Colorectal cancer, susceptibility to, 1. Also called: COLORECTAL ADENOMA AND CANCER, SUSCEPTIBILITY TO; COLORECTAL CANCER, SUSCEPTIBILITY TO, ON CHROMOSOME 9. Identifiers: MedGen C1837315, MONDO:0012132, OMIM 608812.

Allele frequency attached by ClinVar (database versions not stated): gnomAD exomes below 0.00001; TOPMed below 0.00001; gnomAD 0.00001.
gnomAD v4.1: 3 of 1,614,030 alleles (0.00019%); highest among the groups gnomAD compares: Non-Finnish European, 0.00025%; no homozygotes.

Submissions (3):

Labcorp Genetics (formerly Invitae), Labcorp
Classification: Uncertain significance. Last evaluated: 2023-05-24. Review status: criteria provided, single submitter. Criteria: Invitae Variant Classification Sherloc (09022015). Collection method: clinical testing. Allele origin: germline.
Comment: This sequence change replaces valine, which is neutral and non-polar, with isoleucine, which is neutral and non-polar, at codon 159 of the GALNT12 protein (p.Val159Ile). In summary, the available evidence is currently insufficient to determine the role of this variant in disease. Therefore, it has been classified as a Variant of Uncertain Significance. Advanced modeling of protein sequence and biophysical properties (such as structural, functional, and spatial information, amino acid conservation, physicochemical variation, residue mobility, and thermodynamic stability) performed at Invitae indicates that this missense variant is not expected to disrupt GALNT12 protein function. ClinVar contains an entry for this variant (Variation ID: 1742893). This variant has not been reported in the literature in individuals affected with GALNT12-related conditions. This variant is present in population databases (no rsID available, gnomAD 0.007%).

Baylor Genetics
Classification: Uncertain significance for Colorectal cancer, susceptibility to, 1. Last evaluated: 2023-05-12. Review status: criteria provided, single submitter. Criteria: ACMG Guidelines, 2015. Collection method: clinical testing. Allele origin: unknown.

Ambry Genetics
Classification: Uncertain significance. Last evaluated: 2021-09-08. Review status: criteria provided, single submitter. Criteria: Ambry Variant Classification Scheme 2023. Collection method: clinical testing. Allele origin: germline.
Comment: The p.V159I variant (also known as c.475G>A), located in coding exon 2 of the GALNT12 gene, results from a G to A substitution at nucleotide position 475. The valine at codon 159 is replaced by isoleucine, an amino acid with highly similar properties. This amino acid position is conserved. In addition, this alteration is predicted to be tolerated by in silico analysis. Since supporting evidence is limited at this time, the clinical significance of this alteration remains unclear.

NM_024642.5(GALNT12):c.475G>A (p.Val159Ile)

Gene: GALNT12 (polypeptide N-acetylgalactosaminyltransferase 12; plus strand). Cytogenetic location: 9q22.33.
Variant type: single nucleotide variant.
Coding change: c.475G>A on transcript NM_024642.5 (MANE Select); coding-DNA position 475, G replaced by A.
Protein change: p.Val159Ile; replaces valine 159 with isoleucine.
Molecular consequence: missense variant.
Genome position (GRCh38, 1-based): chr9:98,823,359, G>A. VCF-style: chr9-98823359-G-A. GRCh37 (hg19) VCF-style: chr9-101585641-G-A.
Other names: short protein forms V159I.
Identifiers: ClinVar variation 1742893 (VCV001742893.6), dbSNP rs1441365263, ClinGen allele CA374216778.